The following is an entry in ClinVar:

NM_002489.4(NDUFA4):c.30G>A (p.Lys10=)

Gene: NDUFA4 (NDUFA4 mitochondrial complex associated; minus strand). Cytogenetic location: 7p21.3.
Variant type: single nucleotide variant.
Coding change: c.30G>A on transcript NM_002489.4 (MANE Select); coding-DNA position 30, G replaced by A.
Protein change: p.Lys10=; no amino-acid change (lysine 10 retained).
Molecular consequence: synonymous variant.
Genome position (GRCh38, 1-based): chr7:10,940,028, C>T on the plus strand (G>A on the coding strand, the complement: NDUFA4 is on the minus strand). VCF-style: chr7-10940028-C-T. GRCh37 (hg19) VCF-style: chr7-10979655-C-T.
Identifiers: ClinVar variation 2662453 (VCV002662453.1), dbSNP rs762245975, ClinGen allele CA4162656.

ClinVar aggregate classification (germline): Uncertain significance (1 of 4 stars; one submission).

Allele frequency attached by ClinVar (database versions not stated): ExAC 0.00001; TOPMed 0.00001.
gnomAD v4.1: 20 of 1,613,954 alleles (0.0012%); highest among the groups gnomAD compares: Non-Finnish European, 0.0017%; 1 homozygote.

Submission:

GeneDx
Classification: Uncertain significance. Last evaluated: 2020-07-01. Review status: criteria provided, single submitter. Criteria: GeneDx Variant Classification Process June 2021. Collection method: clinical testing. Allele origin: germline. Affected: yes.
Comment: Variants in candidate genes are classified as variants of uncertain significance in accordance with ACMG guidelines (Richards et al., 2015)